The following is an entry in ClinVar:

NM_177438.3(DICER1):c.5404A>G (p.Ile1802Val)

Gene: DICER1 (dicer 1, ribonuclease III; minus strand). Cytogenetic location: 14q32.13.
Variant type: single nucleotide variant.
Coding change: c.5404A>G on transcript NM_177438.3 (MANE Select); coding-DNA position 5404, A replaced by G.
Protein change: p.Ile1802Val; replaces isoleucine 1802 with valine.
Molecular consequence: missense variant. On other transcripts: intron variant (1).
Genome position (GRCh38, 1-based): chr14:95,091,326, T>C on the plus strand (A>G on the coding strand, the complement: DICER1 is on the minus strand). VCF-style: chr14-95091326-T-C. GRCh37 (hg19) VCF-style: chr14-95557663-T-C.
Other names: NM_177438.3(DICER1):c.5404A>G; p.Ile1802Val; c.5404A>G, p.Ile1802Val (NM_001271282.3, NM_001291628.2, NM_030621.4); c.5365-217A>G (NM_001195573.1); short protein forms I1802V.
Identifiers: ClinVar variation 825706 (VCV000825706.15), dbSNP rs1595315042, ClinGen allele CA390864732.

ClinVar aggregate classification (germline): Uncertain significance. Review status: reviewed by expert panel (3 of 4 stars). 3 submissions from 3 submitters: Uncertain significance (1). 2 of the submissions do not count toward it. Last evaluated 2025-08-26.

Conditions:
DICER1-related tumor predisposition. Also called: DICER1-related pleuropulmonary blastoma cancer predisposition syndrome; DICER1 syndrome. Identifiers: Orphanet 284343, MedGen C3839822, MONDO:0100216.
Hereditary cancer-predisposing syndrome. Also called: Neoplastic Syndromes, Hereditary; Hereditary Cancer Syndrome; Hereditary neoplastic syndrome; Tumor predisposition. Identifiers: Orphanet 140162, MedGen C0027672, MeSH D009386, MONDO:0015356.

Allele frequency attached by ClinVar (database versions not stated): gnomAD exomes below 0.00001; gnomAD 0.00001.
gnomAD v4.1: 2 of 1,613,990 alleles (0.00012%); highest among the groups gnomAD compares: African/African-American, 0.0027%; no homozygotes.

Submissions (3):

ClinGen DICER1 and miRNA-Processing Gene Variant Curation Expert Panel, ClinGen
Classification: Uncertain significance for DICER1-related tumor predisposition. Last evaluated: 2025-08-26. Review status: reviewed by expert panel. Criteria: ClinGen DICER1 ACMG Specifications DICER1 V1.4.0. Collection method: curation. Allele origin: germline. Inheritance: Autosomal dominant inheritance.
Comment: The NM_177438.3:c.5404A>G variant in DICER1 is a missense variant predicted to cause substitution of isoleucine by valine at amino acid 1802 (p.Ile1802Val). Although this variant has been observed in individuals undergoing genetic sequencing, to our knowledge, this variant has not been reported in individuals with DICER1-related tumor predisposition (PS4 not met; Internal lab contributors). The total allele frequency in gnomAD v4.1.0 is 0.000001239 (2/1613990 alleles) with a highest population minor allele frequency of 0.00002670 (2/74908 alleles) in the African/African American population and with multiple alleles present in the African/African American population (PM2_Supporting, BS1, and BA1 are not met). This variant resides within the RNase IIIb domain (PM1_Supporting; PMID: 31342592). In silico tools predict no damaging impact of the variant on protein function (REVEL: 0.232; MaxEntScan and SpliceAI: no effect on splicing) (BP4). Another missense variant, c.5405T>C (p.Ile1802Thr), in the same codon has been reported (ClinVar Variation ID: 2702708). However, this variant has not yet met the criteria to be classified as pathogenic by the ClinGen DICER1 VCEP (PM5 not met). In summary, this variant meets the criteria to be classified as Uncertain Significance for DICER1-related tumor predisposition based on the ACMG/AMP criteria applied, as specified by the ClinGen DICER1 VCEP: PM1_Supporting, BP4. (Bayesian Points: 0; VCEP specifications version 1.4.0; 08/26/2025)

Labcorp Genetics (formerly Invitae), Labcorp
Classification: Uncertain significance for DICER1-related tumor predisposition. Last evaluated: 2024-07-30. Review status: criteria provided, single submitter. Criteria: Invitae Variant Classification Sherloc (09022015). Collection method: clinical testing. Allele origin: germline. Not counted in ClinVar's aggregate classification.
Comment: This sequence change replaces isoleucine, which is neutral and non-polar, with valine, which is neutral and non-polar, at codon 1802 of the DICER1 protein (p.Ile1802Val). This variant is not present in population databases (gnomAD no frequency). This variant has not been reported in the literature in individuals affected with DICER1-related conditions. ClinVar contains an entry for this variant (Variation ID: 825706). An algorithm developed to predict the effect of missense changes on protein structure and function (PolyPhen-2) suggests that this variant is likely to be tolerated. In summary, the available evidence is currently insufficient to determine the role of this variant in disease. Therefore, it has been classified as a Variant of Uncertain Significance.

Ambry Genetics
Classification: Uncertain significance for Hereditary cancer-predisposing syndrome. Last evaluated: 2021-11-05. Review status: criteria provided, single submitter. Criteria: Ambry Variant Classification Scheme 2023. Collection method: clinical testing. Allele origin: germline. Not counted in ClinVar's aggregate classification.
Comment: The p.I1802V variant (also known as c.5404A>G), located in coding exon 24 of the DICER1 gene, results from an A to G substitution at nucleotide position 5404. The isoleucine at codon 1802 is replaced by valine, an amino acid with highly similar properties. This amino acid position is highly conserved in available vertebrate species. In addition, this alteration is predicted to be tolerated by in silico analysis. Since supporting evidence is limited at this time, the clinical significance of this alteration remains unclear.